The following is an entry in ClinVar:

NM_000293.3(PHKB):c.2895+1G>A

Gene: PHKB (phosphorylase kinase regulatory subunit beta; plus strand). Cytogenetic location: 16q12.1.
Variant type: single nucleotide variant.
Coding change: c.2895+1G>A on transcript NM_000293.3 (MANE Select); the canonical splice donor site of the intron after coding-DNA position 2895, G replaced by A.
Molecular consequence: splice donor variant.
Genome position (GRCh38, 1-based): chr16:47,693,508, G>A. VCF-style: chr16-47693508-G-A. GRCh37 (hg19) VCF-style: chr16-47727419-G-A.
Other names: c.2895+1G>A (NM_001363837.1); c.2874+1G>A (NM_001031835.3).
Identifiers: ClinVar variation 2827501 (VCV002827501.3), dbSNP rs1191733811, ClinGen allele CA396100799.

ClinVar aggregate classification (germline): Likely pathogenic (1 of 4 stars; one submission).

Conditions:
Glycogen storage disease IXb (GSD9B). Also called: GLYCOGENOSIS OF LIVER AND MUSCLE, AUTOSOMAL RECESSIVE; GSD IXb; PHOSPHORYLASE KINASE DEFICIENCY OF LIVER AND MUSCLE, AUTOSOMAL RECESSIVE. Identifiers: Orphanet 79240, MedGen C0543514, MONDO:0009868, OMIM 261750.

Allele frequency attached by ClinVar (database versions not stated): gnomAD exomes below 0.00001.
gnomAD v4.1: 1 of 1,613,938 alleles (0.000062%); no homozygotes.

Submission:

Labcorp Genetics (formerly Invitae), Labcorp
Classification: Likely pathogenic for Glycogen storage disease IXb. Last evaluated: 2023-01-10. Review status: criteria provided, single submitter. Criteria: Invitae Variant Classification Sherloc (09022015). Collection method: clinical testing. Allele origin: germline.
Comment: In summary, the currently available evidence indicates that the variant is pathogenic, but additional data are needed to prove that conclusively. Therefore, this variant has been classified as Likely Pathogenic. This sequence change affects a donor splice site in intron 28 of the PHKB gene. It is expected to disrupt RNA splicing. Variants that disrupt the donor or acceptor splice site typically lead to a loss of protein function (PMID: 16199547), and loss-of-function variants in PHKB are known to be pathogenic (PMID: 9215682, 9326319). This variant is present in population databases (no rsID available, gnomAD 0.004%). This variant has not been reported in the literature in individuals affected with PHKB-related conditions. Algorithms developed to predict the effect of sequence changes on RNA splicing suggest that this variant may disrupt the consensus splice site.

Literature cited by the submitters: PubMed 16199547; PubMed 9215682; PubMed 9326319.